The following is an entry in ClinVar:

NM_001099922.3(ALG13):c.2771C>T (p.Pro924Leu)

Gene: ALG13 (ALG13 UDP-N-acetylglucosaminyltransferase subunit; plus strand). Cytogenetic location: Xq23.
Variant type: single nucleotide variant.
Coding change: c.2771C>T on transcript NM_001099922.3 (MANE Select); coding-DNA position 2771, C replaced by T.
Protein change: p.Pro924Leu; replaces proline 924 with leucine.
Molecular consequence: missense variant. On other transcripts: intron variant (5).
Genome position (GRCh38, 1-based): chrX:111,744,743, C>T. VCF-style: chrX-111744743-C-T. GRCh37 (hg19) VCF-style: chrX-110987971-C-T.
Other names: c.2537C>T, p.Pro846Leu (NM_001257231.2); c.2383+7864C>T (NM_001257237.2, NM_001257234.2, NM_001257230.2); c.2209+7864C>T (NM_001324293.1); c.2695+7864C>T (NM_001324292.2); short protein forms P846L, P924L.
Identifiers: ClinVar variation 1699546 (VCV001699546.2), dbSNP rs2148403928, ClinGen allele CA414291489.
Genomic context (GRCh38, chrX:111,744,743, plus strand): 5'-CCTATCCATGCCATTCTGCTATTCCTCATGCTGGTGCCTCTCTACCACCACCACCACCAC[C>T]ACCACCACCACCACCACCACCACCACCTCCTCCTCCTCCTCCTCCTCCTCCTCCTCCTCC-3'
Protein context (NP_001093392.1, residues 914-934): AGASLPPPPP[Pro924Leu]PPPPPPPPPP

ClinVar aggregate classification (germline): Uncertain significance (1 of 4 stars; one submission).

Submission:

GeneDx
Classification: Uncertain significance. Last evaluated: 2022-01-26. Review status: criteria provided, single submitter. Criteria: GeneDx Variant Classification Process June 2021. Collection method: clinical testing. Allele origin: germline. Affected: yes.
Comment: Not observed at significant frequency in large population cohorts (gnomAD); In silico analysis supports that this missense variant does not alter protein structure/function; Has not been previously published as pathogenic or benign to our knowledge